The following is an entry in ClinVar:

NM_033028.5(BBS4):c.77C>T (p.Ala26Val)

Gene: BBS4 (Bardet-Biedl syndrome 4; plus strand). Cytogenetic location: 15q24.1.
Variant type: single nucleotide variant.
Coding change: c.77C>T on transcript NM_033028.5 (MANE Select); coding-DNA position 77, C replaced by T.
Protein change: p.Ala26Val; replaces alanine 26 with valine.
Molecular consequence: missense variant. On other transcripts: 5 prime UTR variant (1), non-coding transcript variant (2).
Genome position (GRCh38, 1-based): chr15:72,709,700, C>T. VCF-style: chr15-72709700-C-T. GRCh37 (hg19) VCF-style: chr15-73002041-C-T.
Other names: c.-445C>T (NM_001252678.2); c.77C>T, p.Ala26Val (NM_001320665.2); short protein forms A26V.
Identifiers: ClinVar variation 1383213 (VCV001383213.5), dbSNP rs2151016128, ClinGen allele CA393075745.

ClinVar aggregate classification (germline): Uncertain significance (1 of 4 stars; one submission).

Conditions:
Bardet-Biedl syndrome (BBS). Identifiers: Orphanet 110, MedGen C0752166, MONDO:0015229.

gnomAD v4.1: 2 of 1,609,444 alleles (0.00012%); highest among the groups gnomAD compares: Middle Eastern, 0.017%; no homozygotes.

Submission:

Labcorp Genetics (formerly Invitae), Labcorp
Classification: Uncertain significance for Bardet-Biedl syndrome. Last evaluated: 2021-09-17. Review status: criteria provided, single submitter. Criteria: Invitae Variant Classification Sherloc (09022015). Collection method: clinical testing. Allele origin: germline.
Comment: This sequence change replaces alanine with valine at codon 26 of the BBS4 protein (p.Ala26Val). The alanine residue is highly conserved and there is a small physicochemical difference between alanine and valine. This variant is not present in population databases (ExAC no frequency). This variant has not been reported in the literature in individuals with BBS4-related conditions. Algorithms developed to predict the effect of missense changes on protein structure and function output the following: SIFT: "Tolerated"; PolyPhen-2: "Benign"; Align-GVGD: "Class C0". The valine amino acid residue is found in multiple mammalian species, suggesting that this missense change does not adversely affect protein function. These predictions have not been confirmed by published functional studies and their clinical significance is uncertain. In summary, the available evidence is currently insufficient to determine the role of this variant in disease. Therefore, it has been classified as a Variant of Uncertain Significance.